The following is an entry in ClinVar:

ClinVar aggregate classification (germline): Uncertain significance. Review status: criteria provided, single submitter (1 of 4 stars). 2 submissions from 2 submitters: Uncertain significance (1). 1 of the submissions does not count toward it. Last evaluated 2024-09-30.

Conditions:
NECAP1-related disorder. Also called: NECAP1-related condition.

Submissions (2):

Women's Health and Genetics/Laboratory Corporation of America, LabCorp
Classification: Uncertain significance. Last evaluated: 2024-09-30. Review status: criteria provided, single submitter. Criteria: LabCorp Variant Classification Summary - May 2015. Collection method: clinical testing. Allele origin: germline.
Comment: Variant summary: NECAP1 c.291G>T (p.Gln97His) results in a non-conservative amino acid change located in the NECAP, PHear domain (IPR012466) of the encoded protein sequence. Four of five in-silico tools predict a damaging effect of the variant on protein function. The variant was absent in 251480 control chromosomes (gnomAD). The available data on variant occurrences in the general population are insufficient to allow any conclusion about variant significance. To our knowledge, no occurrence of c.291G>T in individuals affected with Developmental And Epileptic Encephalopathy, 21 and no experimental evidence demonstrating its impact on protein function have been reported. No submitters have cited clinical-significance assessments for this variant to ClinVar. Based on the evidence outlined above, the variant was classified as uncertain significance.

PreventionGenetics, part of Exact Sciences
Classification: Uncertain significance for NECAP1-related condition. Last evaluated: 2024-09-25. Review status: no assertion criteria provided. Collection method: clinical testing. Allele origin: germline. Not counted in ClinVar's aggregate classification.
Comment: The NECAP1 c.291G>T variant is predicted to result in the amino acid substitution p.Gln97His. To our knowledge, this variant has not been reported in the literature or in a large population database, indicating this variant is rare. At this time, the clinical significance of this variant is uncertain due to the absence of conclusive functional and genetic evidence.

NM_015509.4(NECAP1):c.291G>T (p.Gln97His)

Gene: NECAP1 (NECAP endocytosis associated 1; plus strand). Cytogenetic location: 12p13.31.
Variant type: single nucleotide variant.
Coding change: c.291G>T on transcript NM_015509.4 (MANE Select); coding-DNA position 291, G replaced by T.
Protein change: p.Gln97His; replaces glutamine 97 with histidine.
Molecular consequence: missense variant. On other transcripts: non-coding transcript variant (1).
Genome position (GRCh38, 1-based): chr12:8,090,289, G>T. VCF-style: chr12-8090289-G-T. GRCh37 (hg19) VCF-style: chr12-8242885-G-T.
Other names: c.291G>T (NM_015509.3); short protein forms Q97H.
Identifiers: ClinVar variation 2691316 (VCV002691316.3), dbSNP rs2498172776, ClinGen allele CA383797879.